The following is an entry in ClinVar:

ClinVar aggregate classification (germline): Pathogenic/Likely pathogenic. Review status: criteria provided, multiple submitters, no conflicts (2 of 4 stars). 2 submissions from 2 submitters: Pathogenic (1); Likely pathogenic (1). Last evaluated 2024-07-24.

Submissions (2):

GeneDx
Classification: Pathogenic. Last evaluated: 2024-07-24. Review status: criteria provided, single submitter. Criteria: GeneDx Variant Classification Process June 2021. Collection method: clinical testing. Allele origin: germline. Affected: yes.
Comment: Occurs in the triple helical domain and replaces a glycine in a canonical Gly-X-Y repeat; missense substitution of a canonical glycine residue is expected to disrupt normal protein folding and function, and this is an established mechanism of disease (PMID: 34007986); Not observed at significant frequency in large population cohorts (gnomAD); In silico analysis supports that this missense variant has a deleterious effect on protein structure/function; This variant is associated with the following publications: (PMID: 34007986, 17078022)

ARUP Laboratories, Molecular Genetics and Genomics, ARUP Laboratories
Classification: Likely pathogenic. Last evaluated: 2021-06-11. Review status: criteria provided, single submitter. Criteria: ARUP Molecular Germline Variant Investigation Process 2021. Collection method: clinical testing. Allele origin: germline.
Comment: The COL1A2 c.1496G>T; p.Gly499Val variant (rs72658122), also known as Gly409Val, is reported in the literature in at least one individuals affected with osteogenesis imperfecta type II (Marini 2007). This variant is also absent from the Genome Aggregation Database, indicating it is not a common polymorphism. The glycine at codon 499 is highly conserved, and computational analyses predict that this variant is deleterious (REVEL: 0.990). This variant disrupts the repeating Gly-X-Y sequence motif of the collagen triple helix and is predicted to impair collagen function (Ben Amor 2011). Additionally, another variant at this codon (c.1496G>A; p.Gly499Asp) has been reported in an individual with osteogenesis imperfecta type II and is considered pathogenic (Tang 2020). Based on available information, this variant is considered to be likely pathogenic. References: Ben Amor I et al. Genotype-phenotype correlations in autosomal dominant osteogenesis imperfecta. J Osteoporos. 2011; 2011:540178. Marini et al. Consortium for osteogenesis imperfecta mutations in the helical domain of type I collagen: regions rich in lethal mutations align with collagen binding sites for integrins and proteoglycans. Hum Mutat. 2007 Mar;28(3):209-21. PMID 17078022. Tang J et al. Prenatal diagnosis of skeletal dysplasias using whole exome sequencing in China. Clin Chim Acta. 2020 Aug;507:187-193. PMID: 32360156.

NM_000089.4(COL1A2):c.1496G>T (p.Gly499Val)

Gene: COL1A2 (collagen type I alpha 2 chain; plus strand). Cytogenetic location: 7q21.3.
Variant type: single nucleotide variant.
Coding change: c.1496G>T on transcript NM_000089.4 (MANE Select); coding-DNA position 1496, G replaced by T.
Protein change: p.Gly499Val; replaces glycine 499 with valine.
Molecular consequence: missense variant.
Genome position (GRCh38, 1-based): chr7:94,412,675, G>T. VCF-style: chr7-94412675-G-T. GRCh37 (hg19) VCF-style: chr7-94041987-G-T.
Other names: c.1496G>T (NM_000089.3); short protein forms G499V.
Identifiers: ClinVar variation 1330728 (VCV001330728.8), dbSNP rs72658122, ClinGen allele CA162925236.
Genomic context (GRCh38, chr7:94,412,675, plus strand): 5'-CAATTGGCCCAGCTGGAGCAAGAGGAGAGCCTGGCAACATTGGATTCCCTGGACCCAAAG[G>T]CCCCACTGTAAGAATCACCACAACTTTCTTACCCTCAGCACTTTCTGTAGCCAAATTTTA-3'
Protein context (NP_000080.2, residues 489-509): PGNIGFPGPK[Gly499Val]PTGDPGKNGD